The following is an entry in ClinVar:

ClinVar aggregate classification (germline): Pathogenic (1 of 4 stars; one submission).

Conditions:
Deficiency of alpha-mannosidase (MANSA). Also called: Mannosidosis, alpha-, types I and II; Alpha-Mannosidosis; LYSOSOMAL ALPHA-D-MANNOSIDASE DEFICIENCY. Identifiers: Orphanet 61, MedGen C0024748, MONDO:0009561, OMIM 248500.

Submission:

Labcorp Genetics (formerly Invitae), Labcorp
Classification: Pathogenic for Deficiency of alpha-mannosidase. Last evaluated: 2023-05-15. Review status: criteria provided, single submitter. Criteria: Invitae Variant Classification Sherloc (09022015). Collection method: clinical testing. Allele origin: germline.
Comment: This variant is not present in population databases (gnomAD no frequency). For these reasons, this variant has been classified as Pathogenic. This variant has not been reported in the literature in individuals affected with MAN2B1-related conditions. This sequence change creates a premature translational stop signal (p.Pro898Cysfs*11) in the MAN2B1 gene. It is expected to result in an absent or disrupted protein product. Loss-of-function variants in MAN2B1 are known to be pathogenic (PMID: 9915946, 22161967).

Literature cited by the submitters: PubMed 9915946; PubMed 22161967.

NM_000528.4(MAN2B1):c.2692_2737del (p.Pro898fs)

Genes: MAN2B1 (mannosidase alpha class 2B member 1; minus strand), LOC130063648 (ATAC-STARR-seq lymphoblastoid active region 14063; plus strand). Cytogenetic location: 19p13.13.
Variant type: Deletion.
Coding change: c.2692_2737del on transcript NM_000528.4 (MANE Select); coding-DNA positions 2692 to 2737, 46 bases deleted.
Protein change: p.Pro898fs; shifts the reading frame from proline 898.
Molecular consequence: frameshift variant.
Genome position (GRCh38, 1-based): chr19:12,647,526-12,647,571, 46 bases deleted; deleting any 46 consecutive bases within chr19:12,647,526-12,647,572 gives the same sequence; the c. name uses the placement nearest the transcript's 3' end. GRCh37 (hg19): chr19:12,758,341-12,758,386.
Other names: c.2689_2734del, p.Pro897fs (NM_001173498.2); short protein forms P897fs, P898fs.
Identifiers: ClinVar variation 2864683 (VCV002864683.3), dbSNP rs2512484944, ClinGen allele CA2739276531.